The following is an entry in ClinVar:

ClinVar aggregate classification (germline): Pathogenic (1 of 4 stars; one submission).

Conditions:
Vascular skin disorders.

Submission:

Genetics Laboratory, Great Ormond Street Hospital NHS Foundation Trust, North Thames Genomic Laboratory Hub
Classification: Pathogenic for Vascular skin disorders. Last evaluated: 2026-04-24. Review status: criteria provided, single submitter. Criteria: ACGS Best Practice Guidelines for Variant Classification in Rare Disease 2024 v1.2. Collection method: clinical testing. Allele origin: germline. Affected: yes.
Comment: PM2_moderate, PVS1_very-strong

NM_004444.5(EPHB4):c.1422+1G>A

Gene: EPHB4 (EPH receptor B4; minus strand). Cytogenetic location: 7q22.1.
Variant type: single nucleotide variant.
Coding change: c.1422+1G>A on transcript NM_004444.5 (MANE Select); the canonical splice donor site of the intron after coding-DNA position 1422, G replaced by A.
Molecular consequence: splice donor variant.
Genome position (GRCh38, 1-based): chr7:100,818,519, C>T on the plus strand (G>A on the coding strand, the complement: EPHB4 is on the minus strand). VCF-style: chr7-100818519-C-T. GRCh37 (hg19) VCF-style: chr7-100416141-C-T.
Identifiers: ClinVar variation 4856702 (VCV004856702.1).